The following is an entry in ClinVar:

ClinVar aggregate classification (germline): Pathogenic (1 of 4 stars; one submission).

Conditions:
Cornelia de Lange syndrome 1 (CDLS1). Also called: Brachmann de Lange syndrome; NIPBL-Related Cornelia de Lange Syndrome; TYPUS DEGENERATIVUS AMSTELODAMENSIS. Identifiers: Orphanet 199, MedGen C4551851, MONDO:0007387, OMIM 122470.

Submission:

Labcorp Genetics (formerly Invitae), Labcorp
Classification: Pathogenic for Cornelia de Lange syndrome 1. Last evaluated: 2024-01-22. Review status: criteria provided, single submitter. Criteria: Invitae Variant Classification Sherloc (09022015). Collection method: clinical testing. Allele origin: germline.
Comment: This sequence change creates a premature translational stop signal (p.Lys2616Asnfs*4) in the NIPBL gene. It is expected to result in an absent or disrupted protein product. Loss-of-function variants in NIPBL are known to be pathogenic (PMID: 15318302, 19763162, 23505322, 29995837). This variant is not present in population databases (gnomAD no frequency). This variant has not been reported in the literature in individuals affected with NIPBL-related conditions. For these reasons, this variant has been classified as Pathogenic.

Literature cited by the submitters: PubMed 15318302; PubMed 19763162; PubMed 23505322; PubMed 29995837.

NM_133433.4(NIPBL):c.7848del (p.Lys2616fs)

Gene: NIPBL (NIPBL cohesin loading factor; plus strand). Cytogenetic location: 5p13.2.
Variant type: Deletion.
Coding change: c.7848del on transcript NM_133433.4 (MANE Select); coding-DNA position 7848, one base deleted (A; older notation c.7848delA).
Protein change: p.Lys2616fs; shifts the reading frame from lysine 2616.
Molecular consequence: frameshift variant.
Genome position (GRCh38, 1-based): chr5:37,061,006, A deleted; the last of 4 consecutive A bases (chr5:37,061,003-37,061,006); deleting any one gives the same sequence. VCF-style (leftmost placement, unchanged base first): chr5-37061002-TA-T. GRCh37 (hg19) VCF-style: chr5-37061104-TA-T.
Other names: c.7848del, p.Lys2616fs (NM_015384.5); short protein forms K2616fs.
Identifiers: ClinVar variation 2724080 (VCV002724080.3), dbSNP rs2478733662, ClinGen allele CA2697547126.